The following is an entry in ClinVar:

ClinVar aggregate classification (germline): Uncertain significance. Review status: criteria provided, multiple submitters, no conflicts (2 of 4 stars). 2 submissions from 2 submitters: Uncertain significance (2). Last evaluated 2026-06-21.

Conditions:
ATP2B2-related disorder. Also called: ATP2B2-related condition.

gnomAD v4.1: 4 of 1,613,730 alleles (0.00025%); highest among the groups gnomAD compares: African/African-American, 0.0027%; no homozygotes.

Submissions (2):

PreventionGenetics, part of Exact Sciences
Classification: Uncertain significance for ATP2B2-related condition. Last evaluated: 2026-06-21. Review status: criteria provided, single submitter. Criteria: ACMG Guidelines, 2015. Collection method: clinical testing. Allele origin: germline.
Comment: The ATP2B2 c.418G>C variant is predicted to result in the amino acid substitution p.Gly140Arg. To our knowledge, this variant has not been reported in the literature. This variant is reported in 0.00088% of alleles in individuals of European (Non-Finnish) descent in gnomAD. At this time, the clinical significance of this variant is uncertain due to the absence of conclusive functional and genetic evidence.

Ambry Genetics
Classification: Uncertain significance. Last evaluated: 2026-03-23. Review status: criteria provided, single submitter. Criteria: Ambry Variant Classification Scheme 2023. Collection method: clinical testing. Allele origin: germline.
Comment: The c.418G>C (p.G140R) alteration is located in exon 4 (coding exon 3) of the ATP2B2 gene. This alteration results from a G to C substitution at nucleotide position 418, causing the glycine (G) at amino acid position 140 to be replaced by an arginine (R). Based on data from gnomAD, the C allele has an overall frequency of <0.001% (1/250846) total alleles studied. The highest observed frequency was 0.001% (1/113462) of European (non-Finnish) alleles. Based on insufficient or conflicting evidence, the clinical significance of this alteration remains unclear.

NM_001001331.4(ATP2B2):c.418G>C (p.Gly140Arg)

Gene: ATP2B2 (ATPase plasma membrane Ca2+ transporting 2; minus strand). Cytogenetic location: 3p25.3.
Variant type: single nucleotide variant.
Coding change: c.418G>C on transcript NM_001001331.4 (MANE Select); coding-DNA position 418, G replaced by C.
Protein change: p.Gly140Arg; replaces glycine 140 with arginine.
Molecular consequence: missense variant.
Genome position (GRCh38, 1-based): chr3:10,402,328, C>G on the plus strand (G>C on the coding strand, the complement: ATP2B2 is on the minus strand). VCF-style: chr3-10402328-C-G. GRCh37 (hg19) VCF-style: chr3-10444012-C-G.
Other names: c.418G>C, p.Gly140Arg (NM_001330611.3, NM_001353564.1, NM_001363862.1 and 3 more transcripts); short protein forms G140R.
Identifiers: ClinVar variation 4867143 (VCV004867143.2).
Genomic context (GRCh38, chr3:10,402,328, plus strand): 5'-AGAGGAGAATGGCGGCCCCCTCGATCCAACCTGCCTCTGCCTCTCCTTCATCCTCTGCCC[C>G]ACCCTGGGCCGTCGCACATCCTGAAAGACCAGATAGAAGCAGGCAGAGTGAGGTCAACCA-3'
Protein context (NP_001001331.1, residues 130-150): GNEGCATAQG[Gly140Arg]AEDEGEAEAG